The following is an entry in ClinVar:

ClinVar aggregate classification (germline): Likely benign. Review status: criteria provided, single submitter (1 of 4 stars). 2 submissions from 2 submitters: Likely benign (1). 1 of the submissions does not count toward it. Last evaluated 2026-01-01.

Conditions:
ASH1L-related disorder. Also called: ASH1L-related condition.

Allele frequency attached by ClinVar (database versions not stated): gnomAD exomes 0.00037; TOPMed 0.00057; ESP Exome Variant Server 0.00062; ExAC 0.00064.
gnomAD v4.1: 646 of 1,613,934 alleles (0.04%); highest among the groups gnomAD compares: Admixed American, 0.077%; 3 homozygotes.

Submissions (2):

CeGaT Center for Human Genetics Tuebingen
Classification: Likely benign. Last evaluated: 2026-01-01. Review status: criteria provided, single submitter. Criteria: CeGaT Center For Human Genetics Tuebingen Variant Classification Criteria Version 2. Collection method: clinical testing. Allele origin: germline. Affected: yes. Observed: 4 variant alleles.
Comment: ASH1L: BP4, BS1

PreventionGenetics, part of Exact Sciences
Classification: Likely benign for ASH1L-related condition. Last evaluated: 2022-04-05. Review status: no assertion criteria provided. Collection method: clinical testing. Allele origin: germline. Not counted in ClinVar's aggregate classification.
Comment: This variant is classified as likely benign based on ACMG/AMP sequence variant interpretation guidelines (Richards et al. 2015 PMID: 25741868, with internal and published modifications).

NM_018489.3(ASH1L):c.491G>A (p.Arg164His)

Gene: ASH1L (ASH1 like histone lysine methyltransferase; minus strand). Cytogenetic location: 1q22.
Variant type: single nucleotide variant.
Coding change: c.491G>A on transcript NM_018489.3 (MANE Select); coding-DNA position 491, G replaced by A.
Protein change: p.Arg164His; replaces arginine 164 with histidine.
Molecular consequence: missense variant.
Genome position (GRCh38, 1-based): chr1:155,482,379, C>T on the plus strand (G>A on the coding strand, the complement: ASH1L is on the minus strand). VCF-style: chr1-155482379-C-T. GRCh37 (hg19) VCF-style: chr1-155452170-C-T.
Other names: c.491G>A (NM_018489.2); c.491G>A, p.Arg164His (NM_001366177.2); short protein forms R164H.
Identifiers: ClinVar variation 2639426 (VCV002639426.25), dbSNP rs149664653, ClinGen allele CA1147464.